The following is an entry in ClinVar:

NM_177438.3(DICER1):c.2741A>G (p.Tyr914Cys)

Gene: DICER1 (dicer 1, ribonuclease III; minus strand). Cytogenetic location: 14q32.13.
Variant type: single nucleotide variant.
Coding change: c.2741A>G on transcript NM_177438.3 (MANE Select); coding-DNA position 2741, A replaced by G.
Protein change: p.Tyr914Cys; replaces tyrosine 914 with cysteine.
Molecular consequence: missense variant.
Genome position (GRCh38, 1-based): chr14:95,107,671, T>C on the plus strand (A>G on the coding strand, the complement: DICER1 is on the minus strand). VCF-style: chr14-95107671-T-C. GRCh37 (hg19) VCF-style: chr14-95574008-T-C.
Other names: c.2741A>G, p.Tyr914Cys (NM_001195573.1, NM_001271282.3, NM_001291628.2 and 1 more transcripts); short protein forms Y914C.
Identifiers: ClinVar variation 577087 (VCV000577087.12), dbSNP rs1566775820, ClinGen allele CA390879541.
Genomic context (GRCh38, chr14:95,107,671, plus strand): 5'-GGAATGATAACGGCATCTTGGTAATCTTCTAATTTAAAAACAAAGGGTGTTTCTTTTGTA[T>C]ACTTTGTACTGGGAATGCCTATGCGAGCTTCAGACTTCTCAATATCTTCCATGAATTTAA-3'
Protein context (NP_803187.1, residues 904-924): EARIGIPSTK[Tyr914Cys]TKETPFVFKL

ClinVar aggregate classification (germline): Uncertain significance. Review status: criteria provided, multiple submitters, no conflicts (2 of 4 stars). 2 submissions from 2 submitters: Uncertain significance (2). Last evaluated 2025-02-20.

Conditions:
DICER1-related tumor predisposition. Also called: DICER1 syndrome; DICER1-related pleuropulmonary blastoma cancer predisposition syndrome. Identifiers: Orphanet 284343, MedGen C3839822, MONDO:0100216.
Hereditary cancer-predisposing syndrome. Also called: Hereditary neoplastic syndrome; Tumor predisposition; Hereditary Cancer Syndrome; Neoplastic Syndromes, Hereditary. Identifiers: Orphanet 140162, MedGen C0027672, MeSH D009386, MONDO:0015356.

Submissions (2):

Labcorp Genetics (formerly Invitae), Labcorp
Classification: Uncertain significance for DICER1-related tumor predisposition. Last evaluated: 2025-02-20. Review status: criteria provided, single submitter. Criteria: Invitae Variant Classification Sherloc (09022015). Collection method: clinical testing. Allele origin: germline.
Comment: This sequence change replaces tyrosine, which is neutral and polar, with cysteine, which is neutral and slightly polar, at codon 914 of the DICER1 protein (p.Tyr914Cys). This variant is not present in population databases (gnomAD no frequency). This variant has not been reported in the literature in individuals affected with DICER1-related conditions. ClinVar contains an entry for this variant (Variation ID: 577087). Invitae Evidence Modeling of protein sequence and biophysical properties (such as structural, functional, and spatial information, amino acid conservation, physicochemical variation, residue mobility, and thermodynamic stability) indicates that this missense variant is not expected to disrupt DICER1 protein function with a negative predictive value of 95%. In summary, the available evidence is currently insufficient to determine the role of this variant in disease. Therefore, it has been classified as a Variant of Uncertain Significance.

Ambry Genetics
Classification: Uncertain significance for Hereditary cancer-predisposing syndrome. Last evaluated: 2019-07-13. Review status: criteria provided, single submitter. Criteria: Ambry Variant Classification Scheme 2023. Collection method: clinical testing. Allele origin: germline.
Comment: The p.Y914C variant (also known as c.2741A>G), located in coding exon 16 of the DICER1 gene, results from an A to G substitution at nucleotide position 2741. The tyrosine at codon 914 is replaced by cysteine, an amino acid with highly dissimilar properties. This amino acid position is highly conserved in available vertebrate species. In addition, the in silico prediction for this alteration is inconclusive. Since supporting evidence is limited at this time, the clinical significance of this alteration remains unclear.